The following is an entry in ClinVar:

NM_000073.3(CD3G):c.168T>G (p.Phe56Leu)

Genes: CD3G (CD3 gamma subunit of T-cell receptor complex; plus strand), LOC126861358 (BRD4-independent group 4 enhancer GRCh37_chr11:118220212-118221411; plus strand). Cytogenetic location: 11q23.3.
Variant type: single nucleotide variant.
Coding change: c.168T>G on transcript NM_000073.3 (MANE Select); coding-DNA position 168, T replaced by G.
Protein change: p.Phe56Leu; replaces phenylalanine 56 with leucine.
Molecular consequence: missense variant.
Genome position (GRCh38, 1-based): chr11:118,349,831, T>G. VCF-style: chr11-118349831-T-G. GRCh37 (hg19) VCF-style: chr11-118220546-T-G.
Other names: short protein forms F56L.
Identifiers: ClinVar variation 1999516 (VCV001999516.4), dbSNP rs772251464, ClinGen allele CA6302121.
Genomic context (GRCh38, chr11:118,349,831, plus strand): 5'-TCAAGAAGATGGTTCGGTACTTCTGACTTGTGATGCAGAAGCCAAAAATATCACATGGTT[T>G]AAAGATGGGAAGATGATCGGCTTCCTAACTGAAGATAAAAAAAAATGGAATCTGGGAAGT-3'
Protein context (NP_000064.1, residues 46-66): CDAEAKNITW[Phe56Leu]KDGKMIGFLT

ClinVar aggregate classification (germline): Uncertain significance (1 of 4 stars; one submission).

Conditions:
Combined immunodeficiency due to CD3gamma deficiency. Also called: CD3-GAMMA DEFICIENCY; SCID-LIKE IMMUNODEFICIENCY, T CELL-PARTIAL, B CELL-POSITIVE, NK CELL-POSITIVE; Immunodeficiency 17; Immunodeficiency 17, CD3 gamma deficient. Identifiers: Orphanet 169082, MedGen C3810107, MONDO:0014276, OMIM 615607.

Allele frequency attached by ClinVar (database versions not stated): ExAC 0.00001.
gnomAD v4.1: 1 of 1,614,088 alleles (0.000062%); highest among the groups gnomAD compares: Non-Finnish European, 0.000085%; no homozygotes.

Submission:

Labcorp Genetics (formerly Invitae), Labcorp
Classification: Uncertain significance for Combined immunodeficiency due to CD3gamma deficiency. Last evaluated: 2025-10-13. Review status: criteria provided, single submitter. Criteria: Invitae Variant Classification Sherloc (09022015). Collection method: clinical testing. Allele origin: germline.
Comment: This sequence change replaces phenylalanine, which is neutral and non-polar, with leucine, which is neutral and non-polar, at codon 56 of the CD3G protein (p.Phe56Leu). This variant is present in population databases (rs772251464, gnomAD 0.006%). This variant has not been reported in the literature in individuals affected with CD3G-related conditions. ClinVar contains an entry for this variant (Variation ID: 1999516). An algorithm developed to predict the effect of missense changes on protein structure and function outputs the following: PolyPhen-2: "Benign". The leucine amino acid residue is found in multiple mammalian species, which suggests that this missense change does not adversely affect protein function. In summary, the available evidence is currently insufficient to determine the role of this variant in disease. Therefore, it has been classified as a Variant of Uncertain Significance.